The following is an entry in ClinVar:

NM_000138.5(FBN1):c.4210G>C (p.Asp1404His)

Gene: FBN1 (fibrillin 1; minus strand). Cytogenetic location: 15q21.1.
Variant type: single nucleotide variant.
Coding change: c.4210G>C on transcript NM_000138.5 (MANE Select); coding-DNA position 4210, G replaced by C.
Protein change: p.Asp1404His; replaces aspartic acid 1404 with histidine.
Molecular consequence: missense variant.
Genome position (GRCh38, 1-based): chr15:48,474,255, C>G on the plus strand (G>C on the coding strand, the complement: FBN1 is on the minus strand). VCF-style: chr15-48474255-C-G. GRCh37 (hg19) VCF-style: chr15-48766452-C-G.
Other names: short protein forms D1404H.
Identifiers: ClinVar variation 1508660 (VCV001508660.8), dbSNP rs794728220, ClinGen allele CA392319829.

ClinVar aggregate classification (germline): Likely pathogenic (1 of 4 stars; one submission).

Conditions:
Marfan syndrome (MFS). Also called: MARFAN SYNDROME, TYPE I; Marfan syndrome type 1; Marfan's syndrome; Marfan syndrome, classic; FBN1-Related Marfan Syndrome. Identifiers: Orphanet 284963, Orphanet 558, MedGen C0024796, MONDO:0007947, OMIM 154700.
Familial thoracic aortic aneurysm and aortic dissection (TAAD). Also called: Thoracic aortic aneurysms and dissections. Identifiers: Orphanet 91387, MedGen C4707243, MONDO:0019625.

Submission:

Labcorp Genetics (formerly Invitae), Labcorp
Classification: Likely pathogenic for Marfan syndrome; Familial thoracic aortic aneurysm and aortic dissection. Last evaluated: 2025-02-19. Review status: criteria provided, single submitter. Criteria: Invitae Variant Classification Sherloc (09022015). Collection method: clinical testing. Allele origin: germline.
Comment: This sequence change replaces aspartic acid, which is acidic and polar, with histidine, which is basic and polar, at codon 1404 of the FBN1 protein (p.Asp1404His). This variant also falls at the last nucleotide of exon 34, which is part of the consensus splice site for this exon. This variant is not present in population databases (gnomAD no frequency). This missense change has been observed in individuals with clinical features of Marfan syndrome (PMID: 25652356, 26410935; internal data). ClinVar contains an entry for this variant (Variation ID: 1508660). An algorithm developed to predict the effect of missense changes on protein structure and function (PolyPhen-2) suggests that this variant is likely to be disruptive. Variants that disrupt the consensus splice site are a relatively common cause of aberrant splicing (PMID: 17576681, 9536098). Algorithms developed to predict the effect of sequence changes on RNA splicing suggest that this variant may disrupt the consensus splice site. This variant disrupts the c.4210G nucleotide in the FBN1 gene. Other variant(s) that disrupt this nucleotide have been determined to be pathogenic (internal data). This suggests that this nucleotide is clinically significant, and that variants that disrupt this position are likely to be disease-causing. In summary, the currently available evidence indicates that the variant is pathogenic, but additional data are needed to prove that conclusively. Therefore, this variant has been classified as Likely Pathogenic.

Literature cited by the submitters: PubMed 25652356; PubMed 26410935; PubMed 17576681; PubMed 9536098.